The following is an entry in ClinVar:

NM_001142800.2(EYS):c.386G>C (p.Arg129Thr)

Gene: EYS (eyes shut homolog; minus strand). Cytogenetic location: 6q12.
Variant type: single nucleotide variant.
Coding change: c.386G>C on transcript NM_001142800.2 (MANE Select); coding-DNA position 386, G replaced by C.
Protein change: p.Arg129Thr; replaces arginine 129 with threonine.
Molecular consequence: missense variant.
Genome position (GRCh38, 1-based): chr6:65,495,025, C>G on the plus strand (G>C on the coding strand, the complement: EYS is on the minus strand). VCF-style: chr6-65495025-C-G. GRCh37 (hg19) VCF-style: chr6-66204918-C-G.
Other names: c.386G>C, p.Arg129Thr (NM_001142801.2, NM_001292009.2, NM_198283.2); short protein forms R129T.
Identifiers: ClinVar variation 846594 (VCV000846594.5), dbSNP rs1224551754, ClinGen allele CA364790028.

ClinVar aggregate classification (germline): Uncertain significance. Review status: criteria provided, single submitter (1 of 4 stars). 2 submissions from 2 submitters: Uncertain significance (1). 1 of the submissions does not count toward it. Last evaluated 2021-09-01.

Conditions:
Retinitis pigmentosa 25 (RP25). Identifiers: Orphanet 791, MedGen C1864446, MONDO:0011272, OMIM 602772.

Submissions (2):

Labcorp Genetics (formerly Invitae), Labcorp
Classification: Uncertain significance. Last evaluated: 2021-09-01. Review status: criteria provided, single submitter. Criteria: Invitae Variant Classification Sherloc (09022015). Collection method: clinical testing. Allele origin: germline.
Comment: This sequence change replaces arginine with threonine at codon 129 of the EYS protein (p.Arg129Thr). The arginine residue is moderately conserved and there is a moderate physicochemical difference between arginine and threonine. This variant is not present in population databases (ExAC no frequency). This variant has not been reported in the literature in individuals affected with EYS-related conditions. Algorithms developed to predict the effect of missense changes on protein structure and function (SIFT, PolyPhen-2, Align-GVGD) all suggest that this variant is likely to be tolerated. In summary, the available evidence is currently insufficient to determine the role of this variant in disease. Therefore, it has been classified as a Variant of Uncertain Significance.

Natera, Inc.
Classification: Uncertain significance for Retinitis pigmentosa type 25. Last evaluated: 2021-03-18. Review status: no assertion criteria provided. Collection method: clinical testing. Allele origin: germline. Not counted in ClinVar's aggregate classification.